The following is an entry in ClinVar:

NM_000440.3(PDE6A):c.2578C>T (p.Gln860Ter)

Gene: PDE6A (phosphodiesterase 6A; minus strand). Cytogenetic location: 5q32.
Variant type: single nucleotide variant.
Coding change: c.2578C>T on transcript NM_000440.3 (MANE Select); coding-DNA position 2578, C replaced by T.
Protein change: p.Gln860Ter; replaces glutamine 860 with a stop codon.
Molecular consequence: nonsense.
Genome position (GRCh38, 1-based): chr5:149,860,900, G>A on the plus strand (C>T on the coding strand, the complement: PDE6A is on the minus strand). VCF-style: chr5-149860900-G-A. GRCh37 (hg19) VCF-style: chr5-149240463-G-A.
Other names: short protein forms Q860*.
Identifiers: ClinVar variation 1005774 (VCV001005774.4), dbSNP rs1357199744, ClinGen allele CA361708370.
Genomic context (GRCh38, chr5:149,860,900, plus strand): 5'-GTCATCTCTTCCCAGGAAAGGGTGGTGCCGTCCAGCCAGCACATCCCCAGTGGTGTTACT[G>A]GATGCAGCAGGACTTGGATGTAGTTGCACCCCCTGGGCTGGGGTTTCCCCCCGGCTGATT-3'

ClinVar aggregate classification (germline): Uncertain significance (1 of 4 stars; one submission).

Allele frequency attached by ClinVar (database versions not stated): gnomAD exomes below 0.00001 and 0.00001; TOPMed below 0.00001.
gnomAD v4.1: 4 of 1,613,868 alleles (0.00025%); highest among the groups gnomAD compares: Admixed American, 0.0067%; no homozygotes.

Submission:

Labcorp Genetics (formerly Invitae), Labcorp
Classification: Uncertain significance. Last evaluated: 2022-08-19. Review status: criteria provided, single submitter. Criteria: Invitae Variant Classification Sherloc (09022015). Collection method: clinical testing. Allele origin: germline.
Comment: This sequence change creates a premature translational stop signal (p.Gln860*) in the PDE6A gene. While this is not anticipated to result in nonsense mediated decay, it is expected to disrupt the last 1 amino acid(s) of the PDE6A protein. This variant is present in population databases (no rsID available, gnomAD 0.009%). This variant has not been reported in the literature in individuals affected with PDE6A-related conditions. ClinVar contains an entry for this variant (Variation ID: 1005774). Experimental studies and prediction algorithms are not available or were not evaluated, and the functional significance of this variant is currently unknown. In summary, the available evidence is currently insufficient to determine the role of this variant in disease. Therefore, it has been classified as a Variant of Uncertain Significance.